The following continues an entry in ClinVar:

NM_020975.6(RET):c.2370G>T (p.Leu790Phe)

Gene: RET. ClinVar aggregate classification (germline): Pathogenic. Pathogenic (24).

Submissions 23 to 27 of 27:

Human Genome Sequencing Center Clinical Lab, Baylor College of Medicine
Classification: Pathogenic for Multiple endocrine neoplasia type 2A. Last evaluated: 2017-04-04. Review status: criteria provided, single submitter. Criteria: ACMG Guidelines, 2015. Collection method: clinical testing. Allele origin: germline.
Comment: The c.2370G>C (p.Leu790Phe) variant has been reported in patients with familial and sporadic medullary thyroid cancer [PMID 9506724, 22965292, 21810974] and pheochromocytoma [PMID 22403753]. Segregation of the variant with medullary thyroid carcinoma was reported in several families [PMID 9506724, 22965292]. Another variant affecting the same amino acid at position 790 (c.2370G>T) and leading to the same amino acid change (p.Leu790Phe) has also been reported in patients with sporadic medullary thyroid cancer and pheochromocytoma [PMID 9506724]. A retrospective study showed that patients carrier for this p.Leu790Phe change have a non-aggressive form or slow evolving multiple endocrine neoplasia type 2 [PMID 23756355]. The role of prophylactic thyroidectomy in patients carriers for this p.Leu790Phe variant was also evaluated [PMID 21688339]. Thus, the authors concluded that, for carriers of this p.Leu790Phe variant, a case-by-case decision instead of systematic prophylactic thyroidectomy should be discussed [PMID 21688339]. This variant was observed in two individuals at the heterozygous state in the ExAC population database. This variant is highly conserved in mammals and while not clinically validated, computer-based algorithms predict this p.Leu790Phe change to be deleterious. This variant is thus classified as pathogenic. This variant is also considered medically actionable [ACMG 59, PMID 27854360].

Juno Genomics, Hangzhou Juno Genomics, Inc
Classification: Pathogenic for Familial medullary thyroid carcinoma; Multiple endocrine neoplasia type 2A; Multiple endocrine neoplasia type 2B. Review status: criteria provided, single submitter. Criteria: ACMG Guidelines, 2015. Collection method: clinical testing. Allele origin: germline.
Comment: Absent from controls (or at extremely low frequency if recessive) in Genome Aggregation Database.;Multiple lines of computational evidence support a deleterious effect on the gene or gene product.;Same amino acid change as a previously established pathogenic variant regardless of nucleotide change.;The prevalence of the variant in affected individuals is significantly increased compared to the prevalence in controls.;Co-segregation with disease in multiple affected family members.

Clinical Genomics Laboratory, Stanford Medicine
Classification: Pathogenic for Multiple endocrine neoplasia type 2A. Last evaluated: 2020-11-25. Review status: no assertion criteria provided. Collection method: clinical testing. Allele origin: germline. Inheritance: Autosomal dominant inheritance. Affected: yes. Observed: 1 heterozygote. Not counted in ClinVar's aggregate classification.
Comment: The p.Leu790Phe variant in the RET gene has been previously reported in at least 50 individuals with medullary thyroid cancer (Berndt et al., 1998; Brauckhoff et al., 2002; Gimm et al., 2002; Bihan et al., 2012; Larsen et al., 2020), as well as in individuals with pheochromocytoma (Berndt et al., 1998; Min et al., 2012), and segregated with disease in several families (Berndt et al., 1998; Bihan et al., 2012). This variant has been classified as a moderate risk allele primarily associated with the FMTC and MEN2A phenotypes (Loveday et al., 2018). This variant has been identified in 5/251,150 chromosomes by the Genome Aggregation Database. Additionally, a different nucleotide change (c.2370G>C) resulting in an identical amino change has been previously reported. The c.2370G>C (p.Leu790Phe) variant is pathogenic and is expected to result in a similar disruption to protein function as c.2370G>T. Computational tools predict that p.Leu790Phe is deleterious; however, the accuracy of in silico algorithms is limited. These data were assessed using the ACMG/AMP variant interpretation guidelines. In summary, there is sufficient evidence to classify the p.Leu790Phe variant as pathogenic for autosomal dominant multiple endocrine neoplasia type 2 based on the information above. [ACMG evidence codes used: PS1; PS4; PM2; PP3]

Genome Diagnostics Laboratory, University Medical Center Utrecht
Classification: Pathogenic. Review status: no assertion criteria provided. Collection method: clinical testing. Allele origin: germline. Affected: yes. Study: VKGL Data-share Consensus. Not counted in ClinVar's aggregate classification.

Joint Genome Diagnostic Labs from Nijmegen and Maastricht, Radboudumc and MUMC+
Classification: Pathogenic. Review status: no assertion criteria provided. Collection method: clinical testing. Allele origin: germline. Affected: yes. Study: VKGL Data-share Consensus. Not counted in ClinVar's aggregate classification.

Literature cited by the submitters: PubMed 9506724 (cited by 6 submitters); PubMed 12409662 (cited by 6 submitters); PubMed 12490841 (cited by 5 submitters); PubMed 21688339 (cited by 4 submitters); PubMed 22403753 (cited by 4 submitters); PubMed 22965292 (cited by Labcorp Genetics (formerly Invitae), Labcorp and Ambry Genetics); PubMed 23756355 (cited by 4 submitters); PubMed 21810974 (cited by 4 submitters); PubMed 16865646 (cited by Center for Genomic Medicine, Rigshospitalet, Copenhagen University Hospital); PubMed 25810047 (cited by 4 submitters); PubMed 33340421 (cited by Dasa and Mayo Clinic Laboratories, Mayo Clinic); PubMed 33827484 (cited by 4 submitters); PubMed 18062802 (cited by Color Diagnostics, LLC DBA Color Health and Mayo Clinic Laboratories, Mayo Clinic); PubMed 26254625 (cited by Color Diagnostics, LLC DBA Color Health and Mayo Clinic Laboratories, Mayo Clinic); PubMed 27379493 (cited by Color Diagnostics, LLC DBA Color Health); PubMed 32411094 (cited by Color Diagnostics, LLC DBA Color Health); PubMed 33167350 (cited by 3 submitters); PubMed 23210566 (cited by Ambry Genetics); PubMed 12193298 (cited by Mayo Clinic Laboratories, Mayo Clinic); PubMed 16868135 (cited by Mayo Clinic Laboratories, Mayo Clinic); PubMed 31510104 (cited by Mayo Clinic Laboratories, Mayo Clinic); PubMed 20516206 (cited by Women's Health and Genetics/Laboratory Corporation of America, LabCorp); PubMed 35535697 (cited by Laan Lab, Human Genetics Research Group, University of Tartu).